The following is an entry in ClinVar:

ClinVar aggregate classification (germline): Uncertain significance. Review status: criteria provided, multiple submitters, no conflicts (2 of 4 stars). 3 submissions from 3 submitters: Uncertain significance (2). 1 of the submissions does not count toward it. Last evaluated 2023-04-27.

Conditions:
Classic or attenuated familial adenomatous polyposis. Identifiers: MedGen CN372698, MONDO:0021057.
Gastric cancer. Also called: Stomach cancer; Malignant tumor of stomach. Identifiers: MedGen C0024623, MeSH D013274, MONDO:0001056, OMIM 613659, HP:0012126.
Familial adenomatous polyposis 1 (FAP1). Also called: FAMILIAL ADENOMATOUS POLYPOSIS 1, ATTENUATED; POLYPOSIS, ADENOMATOUS INTESTINAL. Identifiers: MedGen C2713442, MONDO:0021056, OMIM 175100. Disease mechanism: loss of function.

Submissions (3):

All of Us Research Program, National Institutes of Health
Classification: Uncertain significance for Classic or attenuated familial adenomatous polyposis. Last evaluated: 2023-04-27. Review status: criteria provided, single submitter. Criteria: ACMG Guidelines, 2015. Collection method: clinical testing. Allele origin: germline. Inheritance: Autosomal dominant inheritance. Observed: 1 variant allele, 1 heterozygote.
Comment: This study involves interpretation of variants in research participants for the purpose of population health screening. Participant phenotype was not available at the time of variant classification. Additional details can be found in publication PMID: 35346344, PMCID: PMC8962531

Labcorp Genetics (formerly Invitae), Labcorp
Classification: Uncertain significance for Familial adenomatous polyposis 1. Last evaluated: 2021-12-30. Review status: criteria provided, single submitter. Criteria: Invitae Variant Classification Sherloc (09022015). Collection method: clinical testing. Allele origin: germline.
Comment: In summary, the available evidence is currently insufficient to determine the role of this variant in disease. Therefore, it has been classified as a Variant of Uncertain Significance. Algorithms developed to predict the effect of missense changes on protein structure and function (SIFT, PolyPhen-2, Align-GVGD) all suggest that this variant is likely to be tolerated. ClinVar contains an entry for this variant (Variation ID: 802). This variant has not been reported in the literature in individuals affected with APC-related conditions. This variant is not present in population databases (gnomAD no frequency). This sequence change replaces glycine, which is neutral and non-polar, with glutamic acid, which is acidic and polar, at codon 1120 of the APC protein (p.Gly1120Glu).

OMIM
Classification: Pathogenic for GASTRIC CANCER, SOMATIC. Last evaluated: 1992-06-01. Review status: no assertion criteria provided. Collection method: literature only. Allele origin: somatic. Not counted in ClinVar's aggregate classification.

Literature cited by the submitters: PubMed 1317264 (cited by OMIM).

NM_000038.6(APC):c.3359G>A (p.Gly1120Glu)

Gene: APC (APC regulator of Wnt signaling pathway; plus strand). Cytogenetic location: 5q22.2.
Variant type: single nucleotide variant.
Coding change: c.3359G>A on transcript NM_000038.6 (MANE Select); coding-DNA position 3359, G replaced by A.
Protein change: p.Gly1120Glu; replaces glycine 1120 with glutamic acid.
Molecular consequence: missense variant.
Genome position (GRCh38, 1-based): chr5:112,838,953, G>A. VCF-style: chr5-112838953-G-A. GRCh37 (hg19) VCF-style: chr5-112174650-G-A.
Other names: c.3359G>A, p.Gly1120Glu (NM_001127510.3, NM_001354895.2); c.3305G>A, p.Gly1102Glu (NM_001127511.3); c.3413G>A, p.Gly1138Glu (NM_001354896.2); c.3389G>A, p.Gly1130Glu (NM_001354897.2); c.3284G>A, p.Gly1095Glu (NM_001354898.2); c.3275G>A, p.Gly1092Glu (NM_001354899.2); c.3236G>A, p.Gly1079Glu (NM_001354900.2); c.3182G>A, p.Gly1061Glu (NM_001354901.2); and 5 more; short protein forms G1120E, G1102E, G1079E, G1130E, G1138E, G960E, G994E, G1019E.
Identifiers: ClinVar variation 802 (VCV000000802.7), dbSNP rs28933379, ClinGen allele CA008319.